The following is an entry in ClinVar:

NM_000350.3(ABCA4):c.4873C>T (p.His1625Tyr)

Genes: ABCA4 (ATP binding cassette subfamily A member 4; minus strand), LOC126805793 (CDK7 strongly-dependent group 2 enhancer GRCh37_chr1:94486302-94487501; plus strand). Cytogenetic location: 1p22.1.
Variant type: single nucleotide variant.
Coding change: c.4873C>T on transcript NM_000350.3 (MANE Select); coding-DNA position 4873, C replaced by T.
Protein change: p.His1625Tyr; replaces histidine 1625 with tyrosine.
Molecular consequence: missense variant.
Genome position (GRCh38, 1-based): chr1:94,021,385, G>A on the plus strand (C>T on the coding strand, the complement: ABCA4 is on the minus strand). VCF-style: chr1-94021385-G-A. GRCh37 (hg19) VCF-style: chr1-94486941-G-A.
Other names: c.4651C>T, p.His1551Tyr (NM_001425324.1); short protein forms H1625Y, H1551Y.
Identifiers: ClinVar variation 427117 (VCV000427117.18), dbSNP rs1085307968, ClinGen allele CA341283189.
Genomic context (GRCh38, chr1:94,021,385, plus strand): 5'-TAGGCAGGCTGGCCCGTAAGATGGCGTTGTGGGCCACATTGAGAAAGCTGACCAGGGCAT[G>A]CCAGCCTTTGTTATTAAACCACACCTAGAGGGTGGAGAGGACATCTGAGACGCTGCACTA-3'
Protein context (NP_000341.2, residues 1615-1635): IKVWFNNKGW[His1625Tyr]ALVSFLNVAH

ClinVar aggregate classification (germline): Pathogenic/Likely pathogenic. Review status: criteria provided, multiple submitters, no conflicts (2 of 4 stars). 6 submissions from 6 submitters: Pathogenic (3); Likely pathogenic (3). Last evaluated 2024-02-24.

Conditions:
ABCA4-related disorder. Also called: ABCA4-related disorders; ABCA4-related condition. Identifiers: MedGen CN239167.
Severe early-childhood-onset retinal dystrophy (STGD1). Also called: MACULAR DYSTROPHY WITH FLECKS, TYPE 1; STGD; Stargardt macular dystrophy; Juvenile onset macular degeneration; Stargardt disease 1. Identifiers: Orphanet 364055, Orphanet 827, MedGen C1855465, MeSH D000080362, MONDO:0009549, OMIM 248200.
Age related macular degeneration 2. Also called: MACULAR DEGENERATION, SENILE; MACULOPATHY, AGE-RELATED, 2; MACULOPATHY, AGE-RELATED. Identifiers: MedGen C3495438, MONDO:0007932, OMIM 153800.
Retinitis pigmentosa 19 (RP19). Also called: ABCA4-Related Retinitis Pigmentosa. Identifiers: Orphanet 791, MedGen C1866422, MONDO:0011137, OMIM 601718.
Cone-rod dystrophy 3 (CORD3). Identifiers: Orphanet 1872, MedGen C1858806, MONDO:0011395, OMIM 604116.

Submissions (6):

3billion
Classification: Likely pathogenic for Severe early-childhood-onset retinal dystrophy. Last evaluated: 2024-02-24. Review status: criteria provided, single submitter. Criteria: ACMG Guidelines, 2015. Collection method: clinical testing. Allele origin: germline. Affected: yes.
Comment: The variant is not observed in the gnomAD v2.1.1 dataset. Predicted Consequence/Location: Missense variant In silico tool predictions suggest damaging effect of the variant on gene or gene product [REVEL: 0.90 (>=0.6, sensitivity 0.68 and specificity 0.92); 3Cnet: 0.96 (>=0.6, sensitivity 0.72 and precision 0.9)]. Same nucleotide change resulting in same amino acid change has been previously reported as pathogenic/likely pathogenic with strong evidence (ClinVar ID: VCV000427117 /PMID: 27353947). Different missense changes at the same codon (p.His1625Arg, p.His1625Gln) have been reported to be associated with ABCA4 related disorder (ClinVar ID: VCV001452188 /PMID: 14517951). Therefore, this variant is classified as Likely pathogenic according to the recommendation of ACMG/AMP guideline.

Labcorp Genetics (formerly Invitae), Labcorp
Classification: Pathogenic. Last evaluated: 2024-01-23. Review status: criteria provided, single submitter. Criteria: Invitae Variant Classification Sherloc (09022015). Collection method: clinical testing. Allele origin: germline.
Comment: This sequence change replaces histidine, which is basic and polar, with tyrosine, which is neutral and polar, at codon 1625 of the ABCA4 protein (p.His1625Tyr). This variant is not present in population databases (gnomAD no frequency). This missense change has been observed in individuals with inherited retinal dystrophy (PMID: 27353947, 29555955; Invitae). ClinVar contains an entry for this variant (Variation ID: 427117). Advanced modeling of protein sequence and biophysical properties (such as structural, functional, and spatial information, amino acid conservation, physicochemical variation, residue mobility, and thermodynamic stability) performed at Invitae indicates that this missense variant is expected to disrupt ABCA4 protein function with a positive predictive value of 95%. For these reasons, this variant has been classified as Pathogenic.

Fulgent Genetics
Classification: Likely pathogenic for Age related macular degeneration 2; Severe early-childhood-onset retinal dystrophy; Retinitis pigmentosa 19; Cone-rod dystrophy 3. Last evaluated: 2023-12-29. Review status: criteria provided, single submitter. Criteria: ACMG Guidelines, 2015. Collection method: clinical testing. Allele origin: germline.

GeneDx
Classification: Pathogenic. Last evaluated: 2023-06-20. Review status: criteria provided, single submitter. Criteria: GeneDx Variant Classification Process June 2021. Collection method: clinical testing. Allele origin: germline. Affected: yes.
Comment: In silico analysis supports that this missense variant has a deleterious effect on protein structure/function; Not observed at significant frequency in large population cohorts (gnomAD); This variant is associated with the following publications: (PMID: 29555955, 33546218, 27353947)

Blueprint Genetics
Classification: Pathogenic for ABCA4-related disorders. Last evaluated: 2023-04-19. Review status: criteria provided, single submitter. Criteria: ACMG Guidelines, 2015. Collection method: clinical testing. Allele origin: germline. Affected: yes. Observed: 3 variant alleles.

Institute of Medical Molecular Genetics, University of Zurich
Classification: Likely pathogenic for Retinitis pigmentosa 19. Last evaluated: 2021-01-30. Review status: criteria provided, single submitter. Criteria: ACMG Guidelines, 2015. Collection method: clinical testing. Allele origin: unknown. Affected: yes.

Literature cited by the submitters: PubMed 27353947 (cited by 3billion and Labcorp Genetics (formerly Invitae), Labcorp); PubMed 14517951 (cited by 3billion); PubMed 29555955 (cited by Labcorp Genetics (formerly Invitae), Labcorp).